The following is an entry in ClinVar:

NM_000222.3(KIT):c.2390A>G (p.Asn797Ser)

Gene: KIT (KIT proto-oncogene, receptor tyrosine kinase; plus strand). Cytogenetic location: 4q12.
Variant type: single nucleotide variant.
Coding change: c.2390A>G on transcript NM_000222.3 (MANE Select); coding-DNA position 2390, A replaced by G.
Protein change: p.Asn797Ser; replaces asparagine 797 with serine.
Molecular consequence: missense variant.
Genome position (GRCh38, 1-based): chr4:54,733,098, A>G. VCF-style: chr4-54733098-A-G. GRCh37 (hg19) VCF-style: chr4-55599264-A-G.
Other names: c.2378A>G, p.Asn793Ser (NM_001093772.2, NM_001385292.1); c.2393A>G, p.Asn798Ser (NM_001385284.1); c.2387A>G, p.Asn796Ser (NM_001385285.1); c.2375A>G, p.Asn792Ser (NM_001385286.1); c.2381A>G, p.Asn794Ser (NM_001385288.1); c.2390A>G, p.Asn797Ser (NM_001385290.1); short protein forms N792S, N794S, N796S, N793S, N797S, N798S.
Identifiers: ClinVar variation 1445071 (VCV001445071.6), dbSNP rs2109801201, ClinGen allele CA356911513.
Genomic context (GRCh38, chr4:54,733,098, plus strand): 5'-AAATGGTTTTCTTTTCTCCTCCAACCTAATAGTGTATTCACAGAGACTTGGCAGCCAGAA[A>G]TATCCTCCTTACTCATGGTCGGATCACAAAGATTTGTGATTTTGGTCTAGCCAGAGACAT-3'
Protein context (NP_000213.1, residues 787-807): NCIHRDLAAR[Asn797Ser]ILLTHGRITK

ClinVar aggregate classification (germline): Uncertain significance (1 of 4 stars; one submission).

Conditions:
Gastrointestinal stromal tumor. Also called: Gastrointestinal stroma tumor; Gastrointestinal stromal tumor, somatic. Identifiers: Orphanet 44890, MedGen C0238198, MeSH D046152, MONDO:0011719, OMIM 606764, HP:0100723.

Submission:

Labcorp Genetics (formerly Invitae), Labcorp
Classification: Uncertain significance for Gastrointestinal stromal tumor. Last evaluated: 2021-08-19. Review status: criteria provided, single submitter. Criteria: Invitae Variant Classification Sherloc (09022015). Collection method: clinical testing. Allele origin: germline.
Comment: In summary, the available evidence is currently insufficient to determine the role of this variant in disease. Therefore, it has been classified as a Variant of Uncertain Significance. Algorithms developed to predict the effect of missense changes on protein structure and function (SIFT, PolyPhen-2, Align-GVGD) all suggest that this variant is likely to be disruptive. This variant has not been reported in the literature in individuals affected with KIT-related conditions. This variant is not present in population databases (ExAC no frequency). This sequence change replaces asparagine with serine at codon 797 of the KIT protein (p.Asn797Ser). The asparagine residue is highly conserved and there is a small physicochemical difference between asparagine and serine.